The following is an entry in ClinVar:

NM_001374736.1(DST):c.17923-19C>G

Gene: DST (dystonin; minus strand). Cytogenetic location: 6p12.1.
Variant type: single nucleotide variant.
Coding change: c.17923-19C>G on transcript NM_001374736.1 (MANE Select); 19 bases into the intron before coding-DNA position 17923, C replaced by G.
Molecular consequence: intron variant.
Genome position (GRCh38, 1-based): chr6:56,526,586, G>C on the plus strand (C>G on the coding strand, the complement: DST is on the minus strand). VCF-style: chr6-56526586-G-C. GRCh37 (hg19) VCF-style: chr6-56391384-G-C.
Other names: c.11566-19C>G (NM_001144769.5); c.17923-19C>G (NM_001374722.1); c.17950-19C>G (NM_001374734.1); c.11152-19C>G (NM_001144770.2); c.10705-19C>G (NM_001374730.1); c.11032-19C>G (NM_001386100.1, NM_183380.4); c.16963-19C>G (NM_001374729.1); c.10054-19C>G (NM_015548.5).
Identifiers: ClinVar variation 2153785 (VCV002153785.4), dbSNP rs2534763223, ClinGen allele CA2578654510.

ClinVar aggregate classification (germline): Uncertain significance (1 of 4 stars; one submission).

Conditions:
Hereditary sensory and autonomic neuropathy type 6. Also called: HSAN VI; Neuropathy, hereditary sensory and autonomic, type VI. Identifiers: Orphanet 314381, MedGen C3539003, MONDO:0013839, OMIM 614653.
Epidermolysis bullosa simplex 3, localized or generalized intermediate, with BP230 deficiency (EBS3). Also called: Epidermolysis bullosa simplex due to BP230 deficiency; Epidermolysis bullosa simplex, autosomal recessive 2. Identifiers: Orphanet 412181, MedGen C3809470, MONDO:0014180, OMIM 615425.

Allele frequency attached by ClinVar (database versions not stated): gnomAD exomes below 0.00001.
gnomAD v4.1: 1 of 1,608,994 alleles (0.000062%); highest among the groups gnomAD compares: Non-Finnish European, 0.000085%; no homozygotes.

Submission:

Labcorp Genetics (formerly Invitae), Labcorp
Classification: Uncertain significance for Epidermolysis bullosa simplex 3, localized or generalized intermediate, with BP230 deficiency; Hereditary sensory and autonomic neuropathy type 6. Last evaluated: 2022-06-25. Review status: criteria provided, single submitter. Criteria: Invitae Variant Classification Sherloc (09022015). Collection method: clinical testing. Allele origin: germline.
Comment: In summary, the available evidence is currently insufficient to determine the role of this variant in disease. Therefore, it has been classified as a Variant of Uncertain Significance. Experimental studies and prediction algorithms are not available or were not evaluated, and the effect of this variant on mRNA splicing is currently unknown. This variant has not been reported in the literature in individuals affected with DST-related conditions. This variant is not present in population databases (gnomAD no frequency). This sequence change falls in intron 49 of the DST gene. It does not directly change the encoded amino acid sequence of the DST protein. The DST gene has multiple clinically relevant transcripts. This variant occurs in alternate transcript NM_015548.4, and corresponds to NM_001723.5:c.*88931C>G in the primary transcript.